The following is an entry in ClinVar:

NM_000293.3(PHKB):c.2700T>A (p.Tyr900Ter)

Gene: PHKB (phosphorylase kinase regulatory subunit beta; plus strand). Cytogenetic location: 16q12.1.
Variant type: single nucleotide variant.
Coding change: c.2700T>A on transcript NM_000293.3 (MANE Select); coding-DNA position 2700, T replaced by A.
Protein change: p.Tyr900Ter; replaces tyrosine 900 with a stop codon.
Molecular consequence: nonsense.
Genome position (GRCh38, 1-based): chr16:47,689,110, T>A. VCF-style: chr16-47689110-T-A. GRCh37 (hg19) VCF-style: chr16-47723021-T-A.
Other names: c.2679T>A, p.Tyr893Ter (NM_001031835.3); c.2700T>A, p.Tyr900Ter (NM_001363837.1); short protein forms Y900*, Y893*.
Identifiers: ClinVar variation 3694286 (VCV003694286.2).

ClinVar aggregate classification (germline): Pathogenic (1 of 4 stars; one submission).

Conditions:
Glycogen storage disease IXb (GSD9B). Also called: GLYCOGENOSIS OF LIVER AND MUSCLE, AUTOSOMAL RECESSIVE; GSD IXb; PHOSPHORYLASE KINASE DEFICIENCY OF LIVER AND MUSCLE, AUTOSOMAL RECESSIVE. Identifiers: Orphanet 79240, MedGen C0543514, MONDO:0009868, OMIM 261750.

Submission:

Labcorp Genetics (formerly Invitae), Labcorp
Classification: Pathogenic for Glycogen storage disease IXb. Last evaluated: 2024-03-16. Review status: criteria provided, single submitter. Criteria: Invitae Variant Classification Sherloc (09022015). Collection method: clinical testing. Allele origin: germline.
Comment: This sequence change creates a premature translational stop signal (p.Tyr900*) in the PHKB gene. It is expected to result in an absent or disrupted protein product. Loss-of-function variants in PHKB are known to be pathogenic (PMID: 9215682, 9326319). This variant is not present in population databases (gnomAD no frequency). This variant has not been reported in the literature in individuals affected with PHKB-related conditions. For these reasons, this variant has been classified as Pathogenic.

Literature cited by the submitters: PubMed 9215682; PubMed 9326319.